The following is an entry in ClinVar:

ClinVar aggregate classification (germline): Uncertain significance. Review status: criteria provided, single submitter (1 of 4 stars). 2 submissions from 2 submitters: Uncertain significance (1). 1 of the submissions does not count toward it. Last evaluated 2024-02-29.

Conditions:
CEP290-related disorder. Also called: CEP290-related disorders; CEP290-related condition. Identifiers: MedGen CN239314.

gnomAD v4.1: 14 of 1,440,206 alleles (0.00097%); highest among the groups gnomAD compares: Non-Finnish European, 0.0012%; no homozygotes.

Submissions (2):

Blueprint Genetics
Classification: Uncertain significance. Last evaluated: 2024-02-29. Review status: criteria provided, single submitter. Criteria: ACMG Guidelines, 2015. Collection method: clinical testing. Allele origin: germline.

PreventionGenetics, part of Exact Sciences
Classification: Uncertain significance for CEP290-related condition. Last evaluated: 2024-03-19. Review status: no assertion criteria provided. Collection method: clinical testing. Allele origin: germline. Not counted in ClinVar's aggregate classification.
Comment: The CEP290 c.1814C>A variant is predicted to result in the amino acid substitution p.Ala605Glu. To our knowledge, this variant has not been reported in the literature or in a large population database, indicating this variant is rare. At this time, the clinical significance of this variant is uncertain due to the absence of conclusive functional and genetic evidence.

NM_025114.4(CEP290):c.1814C>A (p.Ala605Glu)

Gene: CEP290 (centrosomal protein 290; minus strand). Cytogenetic location: 12q21.32.
Variant type: single nucleotide variant.
Coding change: c.1814C>A on transcript NM_025114.4 (MANE Select); coding-DNA position 1814, C replaced by A.
Protein change: p.Ala605Glu; replaces alanine 605 with glutamic acid.
Molecular consequence: missense variant.
Genome position (GRCh38, 1-based): chr12:88,117,043, G>T on the plus strand (C>A on the coding strand, the complement: CEP290 is on the minus strand). VCF-style: chr12-88117043-G-T. GRCh37 (hg19) VCF-style: chr12-88510820-G-T.
Other names: short protein forms A605E.
Identifiers: ClinVar variation 3358533 (VCV003358533.2).
Genomic context (GRCh38, chr12:88,117,043, plus strand): 5'-AAAAAAAAAAAATATTTTCCTTTACTCTCTTTGCAATACTTTACTATTACCTTTGATTGT[G>T]CTTCACTCATATTTTTGAGGCTCAATAAATCCAATTTTCTTTCACTTATTCTATCTCCTT-3'
Protein context (NP_079390.3, residues 595-615): DLLSLKNMSE[Ala605Glu]QSKNEFLSRE